The following is an entry in ClinVar:

ClinVar aggregate classification (germline): Uncertain significance (1 of 4 stars; one submission).

Allele frequency attached by ClinVar (database versions not stated): gnomAD exomes below 0.00001.
gnomAD v4.1: 1 of 1,614,150 alleles (0.000062%); highest among the groups gnomAD compares: Non-Finnish European, 0.000085%; no homozygotes.

Submission:

GeneDx
Classification: Uncertain significance. Last evaluated: 2023-01-13. Review status: criteria provided, single submitter. Criteria: GeneDx Variant Classification Process June 2021. Collection method: clinical testing. Allele origin: germline. Affected: yes.
Comment: Not observed at significant frequency in large population cohorts (gnomAD); In silico analysis supports that this missense variant does not alter protein structure/function; Has not been previously published as pathogenic or benign to our knowledge

NM_012330.4(KAT6B):c.1870A>G (p.Thr624Ala)

Gene: KAT6B (lysine acetyltransferase 6B; plus strand). Cytogenetic location: 10q22.2.
Variant type: single nucleotide variant.
Coding change: c.1870A>G on transcript NM_012330.4 (MANE Select); coding-DNA position 1870, A replaced by G.
Protein change: p.Thr624Ala; replaces threonine 624 with alanine.
Molecular consequence: missense variant. On other transcripts: intron variant (13).
Genome position (GRCh38, 1-based): chr10:74,976,207, A>G. VCF-style: chr10-74976207-A-G. GRCh37 (hg19) VCF-style: chr10-76735965-A-G.
Other names: c.1870A>G, p.Thr624Ala (NM_001370136.1, NM_001370137.1); c.1117+753A>G (NM_001370139.1, NM_001370140.1, NM_001370141.1 and 3 more transcripts); c.1444+426A>G (NM_001370138.1, NM_001256468.2); c.846+6432A>G (NM_001370133.1); c.193-3017A>G (NM_001370134.1); c.929-1109A>G (NM_001370143.1, NM_001370144.1); c.193-12812A>G (NM_001370135.1); short protein forms T624A.
Identifiers: ClinVar variation 2572882 (VCV002572882.1), dbSNP rs2548957028, ClinGen allele CA377288906.